The following is an entry in ClinVar:

NM_018896.5(CACNA1G):c.5620G>A (p.Glu1874Lys)

Gene: CACNA1G (calcium voltage-gated channel subunit alpha1 G; plus strand). Cytogenetic location: 17q21.33.
Variant type: single nucleotide variant.
Coding change: c.5620G>A on transcript NM_018896.5 (MANE Select); coding-DNA position 5620, G replaced by A.
Protein change: p.Glu1874Lys; replaces glutamic acid 1874 with lysine.
Molecular consequence: missense variant. On other transcripts: non-coding transcript variant (5).
Genome position (GRCh38, 1-based): chr17:50,618,847, G>A. VCF-style: chr17-50618847-G-A. GRCh37 (hg19) VCF-style: chr17-48696208-G-A.
Other names: c.5566G>A, p.Glu1856Lys (NM_001256324.2, NM_198386.3); c.5641G>A, p.Glu1881Lys (NM_001256325.2); c.5485G>A, p.Glu1829Lys (NM_001256326.2, NM_001256330.2); c.5599G>A, p.Glu1867Lys (NM_001256327.2); c.5545G>A, p.Glu1849Lys (NM_001256328.2); c.5518G>A, p.Glu1840Lys (NM_001256329.2, NM_198376.3, NM_198379.3 and 2 more transcripts); c.5464G>A, p.Glu1822Lys (NM_001256331.2); c.5449G>A, p.Glu1817Lys (NM_001256332.2); and 7 more; short protein forms E1817K, E1822K, E1829K, E1833K, E1836K, E1838K, E1840K, E1847K.
Identifiers: ClinVar variation 3895714 (VCV003895714.1).

ClinVar aggregate classification (germline): Uncertain significance (1 of 4 stars; one submission).

Submission:

Women's Health and Genetics/Laboratory Corporation of America, LabCorp
Classification: Uncertain significance. Last evaluated: 2025-03-11. Review status: criteria provided, single submitter. Criteria: LabCorp Variant Classification Summary - May 2015. Collection method: clinical testing. Allele origin: germline.
Comment: Variant summary: CACNA1G c.5620G>A (p.Glu1874Lys) results in a conservative amino acid change in the encoded protein sequence. Three of five in-silico tools predict a damaging effect of the variant on protein function. The variant was absent in 247920 control chromosomes. The available data on variant occurrences in the general population are insufficient to allow any conclusion about variant significance. To our knowledge, no occurrence of c.5620G>A in individuals affected with Spinocerebellar Ataxia Type 42 and no experimental evidence demonstrating its impact on protein function have been reported. No submitters have cited clinical-significance assessments for this variant to ClinVar. Based on the evidence outlined above, the variant was classified as uncertain significance.